The following is an entry in ClinVar:

NM_001042424.3(NSD2):c.3458G>A (p.Trp1153Ter)

Gene: NSD2 (nuclear receptor binding SET domain protein 2; plus strand). Cytogenetic location: 4p16.3.
Variant type: single nucleotide variant.
Coding change: c.3458G>A on transcript NM_001042424.3 (MANE Select); coding-DNA position 3458, G replaced by A.
Protein change: p.Trp1153Ter; replaces tryptophan 1153 with a stop codon.
Molecular consequence: nonsense.
Genome position (GRCh38, 1-based): chr4:1,974,948, G>A. VCF-style: chr4-1974948-G-A. GRCh37 (hg19) VCF-style: chr4-1976675-G-A.
Other names: c.3458G>A, p.Trp1153Ter (NM_133330.3, NM_133331.3, NM_133335.4); short protein forms W1153*.
Identifiers: ClinVar variation 2772967 (VCV002772967.3), dbSNP rs2474746659, ClinGen allele CA356000577.

ClinVar aggregate classification (germline): Pathogenic (1 of 4 stars; one submission).

Submission:

Labcorp Genetics (formerly Invitae), Labcorp
Classification: Pathogenic. Last evaluated: 2023-10-30. Review status: criteria provided, single submitter. Criteria: Invitae Variant Classification Sherloc (09022015). Collection method: clinical testing. Allele origin: germline.
Comment: This sequence change creates a premature translational stop signal (p.Trp1153*) in the WHSC1 gene. It is expected to result in an absent or disrupted protein product. Loss-of-function variants in WHSC1 are known to be pathogenic (PMID: 31171569). This variant is not present in population databases (gnomAD no frequency). This variant has not been reported in the literature in individuals affected with WHSC1-related conditions. For these reasons, this variant has been classified as Pathogenic.

Literature cited by the submitters: PubMed 31171569.